The following is an entry in ClinVar:

NM_001164508.2(NEB):c.18694-6_18694-2del

Gene: NEB (nebulin; minus strand). Cytogenetic location: 2q23.3.
Variant type: Deletion.
Coding change: c.18694-6_18694-2del on transcript NM_001164508.2 (MANE Select); 6 bases into the intron before coding-DNA position 18694 through the canonical splice acceptor site of the intron before coding-DNA position 18694, 5 bases deleted (TATTA; older notation c.18694-6_18694-2delTATTA).
Molecular consequence: splice acceptor variant.
Genome position (GRCh38, 1-based): chr2:151,562,810-151,562,814, TAATA deleted on the plus strand (TATTA on the coding strand, the reverse complement: NEB is on the minus strand); deleting any 5 consecutive bases within chr2:151,562,810-151,562,815 gives the same sequence; the c. name uses the placement nearest the transcript's 3' end. VCF-style (leftmost placement, unchanged base first): chr2-151562809-CTAATA-C. GRCh37 (hg19) VCF-style: chr2-152419323-CTAATA-C.
Other names: c.18694-6_18694-2del5 (NM_001271208.1); c.13591-6_13591-2del (NM_004543.5); c.18694-6_18694-2del (NM_001164507.2, NM_001271208.2).
Identifiers: ClinVar variation 552222 (VCV000552222.11), dbSNP rs1377029367, ClinGen allele CA537030113.

ClinVar aggregate classification (germline): Uncertain significance. Review status: criteria provided, multiple submitters, no conflicts (2 of 4 stars). 5 submissions from 5 submitters: Uncertain significance (3). 2 of the submissions do not count toward it. Last evaluated 2025-06-12.

Conditions:
Arthrogryposis multiplex congenita 6. Identifiers: MedGen C5543431, MONDO:0030281, OMIM 619334.
Nemaline myopathy 2 (NEM2). Also called: Nemaline myopathy 2, autosomal recessive. Identifiers: MedGen C1850569, MONDO:0009725, OMIM 256030.

Submissions (5):

Revvity Omics, Revvity
Classification: Uncertain significance. Last evaluated: 2025-06-12. Review status: criteria provided, single submitter. Criteria: ACMG Guidelines, 2015. Collection method: clinical testing. Allele origin: germline.

Labcorp Genetics (formerly Invitae), Labcorp
Classification: Uncertain significance for Nemaline myopathy 2. Last evaluated: 2022-07-12. Review status: criteria provided, single submitter. Criteria: Invitae Variant Classification Sherloc (09022015). Collection method: clinical testing. Allele origin: germline.
Comment: This sequence change falls in intron 119 of the NEB gene. It does not directly change the encoded amino acid sequence of the NEB protein. It affects a nucleotide within the consensus splice site. This variant is present in population databases (no rsID available, gnomAD 0.008%). This variant has not been reported in the literature in individuals affected with NEB-related conditions. ClinVar contains an entry for this variant (Variation ID: 552222). Variants that disrupt the consensus splice site are a relatively common cause of aberrant splicing (PMID: 17576681, 9536098). Algorithms developed to predict the effect of sequence changes on RNA splicing suggest that this variant is not likely to affect RNA splicing. In summary, the available evidence is currently insufficient to determine the role of this variant in disease. Therefore, it has been classified as a Variant of Uncertain Significance.

Fulgent Genetics
Classification: Uncertain significance for Nemaline myopathy 2; Arthrogryposis multiplex congenita 6. Last evaluated: 2021-08-17. Review status: criteria provided, single submitter. Criteria: ACMG Guidelines, 2015. Collection method: clinical testing. Allele origin: unknown.

Natera, Inc.
Classification: Uncertain significance for Nemaline myopathy type 2. Last evaluated: 2019-11-11. Review status: no assertion criteria provided. Collection method: clinical testing. Allele origin: germline. Not counted in ClinVar's aggregate classification.

Counsyl
Classification: Uncertain significance for Nemaline myopathy 2. Last evaluated: 2017-05-30. Review status: no assertion criteria provided. Collection method: clinical testing. Allele origin: unknown. Not counted in ClinVar's aggregate classification.

Literature cited by the submitters: PubMed 17576681 (cited by Labcorp Genetics (formerly Invitae), Labcorp); PubMed 9536098 (cited by Labcorp Genetics (formerly Invitae), Labcorp).